The following is an entry in ClinVar:

NM_003620.4(PPM1D):c.1249_1250insA (p.Pro417fs)

Gene: PPM1D (protein phosphatase, Mg2+/Mn2+ dependent 1D; plus strand). Cytogenetic location: 17q23.2.
Variant type: Insertion.
Coding change: c.1249_1250insA on transcript NM_003620.4 (MANE Select); coding-DNA positions 1249 to 1250, A inserted.
Protein change: p.Pro417fs; shifts the reading frame from proline 417.
Molecular consequence: frameshift variant.
Genome position: GRCh38 VCF-style: chr17-60656830-C-CA. GRCh37 (hg19) VCF-style: chr17-58734191-C-CA.
Other names: short protein forms P417fs.
Identifiers: ClinVar variation 1705672 (VCV001705672.1), dbSNP rs2544465797, ClinGen allele CA2580094564.

ClinVar aggregate classification (germline): Likely pathogenic (1 of 4 stars; one submission).

Conditions:
Intellectual developmental disorder with gastrointestinal difficulties and high pain threshold (JDVS). Also called: JANSEN-DE VRIES SYNDROME. Identifiers: Orphanet 653767, MedGen C4479517, MONDO:0044318, OMIM 617450.

Submission:

3billion
Classification: Likely pathogenic for Intellectual developmental disorder with gastrointestinal difficulties and high pain threshold. Last evaluated: 2022-09-01. Review status: criteria provided, single submitter. Criteria: ACMG Guidelines, 2015. Collection method: clinical testing. Allele origin: germline. Affected: yes. Observed: 1 heterozygote.
Comment: The variant is not observed in the gnomAD v2.1.1 dataset. Frameshift variant is predicted to result in a loss or disruption of normal protein function through protein truncation. Multiple pathogenic variants are reported in the predicted truncated region. Therefore, this variant is classified as Likely pathogenic according to the recommendation of ACMG/AMP guideline.